The following is an entry in ClinVar:

ClinVar aggregate classification (germline): Uncertain significance (1 of 4 stars; one submission).

Submission:

Labcorp Genetics (formerly Invitae), Labcorp
Classification: Uncertain significance. Last evaluated: 2024-07-31. Review status: criteria provided, single submitter. Criteria: Invitae Variant Classification Sherloc (09022015). Collection method: clinical testing. Allele origin: germline.
Comment: This variant, c.774_776dup, results in the insertion of 1 amino acid(s) of the DDX58 protein (p.Lys258dup), but otherwise preserves the integrity of the reading frame. This variant is present in population databases (rs778824934, gnomAD 0.0009%). This variant has not been reported in the literature in individuals affected with DDX58-related conditions. In summary, the available evidence is currently insufficient to determine the role of this variant in disease. Therefore, it has been classified as a Variant of Uncertain Significance.

NM_014314.4(RIGI):c.774_776dup (p.Lys258_Asn259insLys)

Gene: RIGI (RNA sensor RIG-I; minus strand). Cytogenetic location: 9p21.1.
Variant type: Duplication.
Coding change: c.774_776dup on transcript NM_014314.4 (MANE Select); coding-DNA positions 774 to 776, 3 bases duplicated (AAA; older notation c.774_776dupAAA).
Protein change: p.Lys258_Asn259insLys.
Molecular consequence: inframe insertion.
Genome position (GRCh38, 1-based): chr9:32,489,367-32,489,369, TTT duplicated on the plus strand (AAA on the coding strand, the reverse complement: RIGI is on the minus strand); duplicating any 3 consecutive bases within chr9:32,489,367-32,489,372 gives the same sequence; the c. name uses the placement nearest the transcript's 3' end. VCF-style (leftmost placement, unchanged base first): chr9-32489366-G-GTTT. GRCh37 (hg19) VCF-style: chr9-32489364-G-GTTT.
Other names: c.774_776dup, p.Lys258_Asn259insLys (NM_001385907.1, NM_001385909.1); c.333_335dup, p.Lys111_Asn112insLys (NM_001385910.1); c.165_167dup, p.Lys55_Asn56insLys (NM_001385912.1); c.759_761dup, p.Lys253_Asn254insLys (NM_001385913.1); c.330_332dup, p.Lys110_Asn111insLys (NM_001385914.1).
Identifiers: ClinVar variation 3618606 (VCV003618606.2).